The following is an entry in ClinVar:

ClinVar aggregate classification (germline): Uncertain significance (1 of 4 stars; one submission).

Allele frequency attached by ClinVar (database versions not stated): gnomAD 0.00001; gnomAD exomes 0.00001; ExAC 0.00002.
gnomAD v4.1: 38 of 1,613,904 alleles (0.0024%); highest among the groups gnomAD compares: Non-Finnish European, 0.003%; no homozygotes.

Submission:

Labcorp Genetics (formerly Invitae), Labcorp
Classification: Uncertain significance. Last evaluated: 2024-02-24. Review status: criteria provided, single submitter. Criteria: Invitae Variant Classification Sherloc (09022015). Collection method: clinical testing. Allele origin: germline.
Comment: This sequence change replaces arginine, which is basic and polar, with tryptophan, which is neutral and slightly polar, at codon 391 of the KIAA0753 protein (p.Arg391Trp). This variant is present in population databases (rs750465052, gnomAD 0.002%). This variant has not been reported in the literature in individuals affected with KIAA0753-related conditions. ClinVar contains an entry for this variant (Variation ID: 1517668). An algorithm developed to predict the effect of missense changes on protein structure and function (PolyPhen-2) suggests that this variant is likely to be disruptive. In summary, the available evidence is currently insufficient to determine the role of this variant in disease. Therefore, it has been classified as a Variant of Uncertain Significance.

NM_014804.3(KIAA0753):c.1171C>T (p.Arg391Trp)

Gene: KIAA0753 (KIAA0753; minus strand). Cytogenetic location: 17p13.1.
Variant type: single nucleotide variant.
Coding change: c.1171C>T on transcript NM_014804.3 (MANE Select); coding-DNA position 1171, C replaced by T.
Protein change: p.Arg391Trp; replaces arginine 391 with tryptophan.
Molecular consequence: missense variant. On other transcripts: non-coding transcript variant (3).
Genome position (GRCh38, 1-based): chr17:6,620,932, G>A on the plus strand (C>T on the coding strand, the complement: KIAA0753 is on the minus strand). VCF-style: chr17-6620932-G-A. GRCh37 (hg19) VCF-style: chr17-6524252-G-A.
Other names: c.274C>T, p.Arg92Trp (NM_001351225.2); short protein forms R391W, R92W.
Identifiers: ClinVar variation 1517668 (VCV001517668.8), dbSNP rs750465052, ClinGen allele CA8330564.